The following is an entry in ClinVar:

NM_004369.4(COL6A3):c.6901G>T (p.Val2301Phe)

Gene: COL6A3 (collagen type VI alpha 3 chain; minus strand). Cytogenetic location: 2q37.3.
Variant type: single nucleotide variant.
Coding change: c.6901G>T on transcript NM_004369.4 (MANE Select); coding-DNA position 6901, G replaced by T.
Protein change: p.Val2301Phe; replaces valine 2301 with phenylalanine.
Molecular consequence: missense variant.
Genome position (GRCh38, 1-based): chr2:237,348,642, C>A on the plus strand (G>T on the coding strand, the complement: COL6A3 is on the minus strand). VCF-style: chr2-237348642-C-A. GRCh37 (hg19) VCF-style: chr2-238257285-C-A.
Other names: c.5080G>T, p.Val1694Phe (NM_057166.5); c.6283G>T, p.Val2095Phe (NM_057167.4); short protein forms V2095F, V1694F, V2301F.
Identifiers: ClinVar variation 935065 (VCV000935065.10), dbSNP rs1559212695, ClinGen allele CA351208363.

ClinVar aggregate classification (germline): Uncertain significance (1 of 4 stars; one submission).

Conditions:
Bethlem myopathy 1A. Also called: Bethlem Muscular Dystrophy; MYOPATHY, BENIGN CONGENITAL, WITH CONTRACTURES; Bethlem myopathy 1. Identifiers: Orphanet 610, MedGen CN029274, MONDO:0024530, OMIM 158810.

gnomAD v4.1: 1 of 1,614,232 alleles (0.000062%); highest among the groups gnomAD compares: Non-Finnish European, 0.000085%; no homozygotes.

Submission:

Labcorp Genetics (formerly Invitae), Labcorp
Classification: Uncertain significance for Bethlem myopathy 1A. Last evaluated: 2019-07-12. Review status: criteria provided, single submitter. Criteria: Invitae Variant Classification Sherloc (09022015). Collection method: clinical testing. Allele origin: germline.
Comment: In summary, the available evidence is currently insufficient to determine the role of this variant in disease. Therefore, it has been classified as a Variant of Uncertain Significance. Algorithms developed to predict the effect of missense changes on protein structure and function are either unavailable or do not agree on the potential impact of this missense change (SIFT: "Tolerated"; PolyPhen-2: "Not Available"; Align-GVGD: "Class C0"). This variant has not been reported in the literature in individuals with COL6A3-related conditions. This variant is not present in population databases (ExAC no frequency). This sequence change replaces valine with phenylalanine at codon 2301 of the COL6A3 protein (p.Val2301Phe). The valine residue is moderately conserved and there is a small physicochemical difference between valine and phenylalanine.